The following is an entry in ClinVar:

NM_001042492.3(NF1):c.2293C>A (p.Arg765Ser)

Gene: NF1 (neurofibromin 1; plus strand). Cytogenetic location: 17q11.2.
Variant type: single nucleotide variant.
Coding change: c.2293C>A on transcript NM_001042492.3 (MANE Select); coding-DNA position 2293, C replaced by A.
Protein change: p.Arg765Ser; replaces arginine 765 with serine.
Molecular consequence: missense variant.
Genome position (GRCh38, 1-based): chr17:31,227,259, C>A. VCF-style: chr17-31227259-C-A. GRCh37 (hg19) VCF-style: chr17-29554277-C-A.
Other names: c.2293C>A, p.Arg765Ser (NM_000267.4); short protein forms R765S.
Identifiers: ClinVar variation 3404649 (VCV003404649.2).

ClinVar aggregate classification (germline): Uncertain significance. Review status: criteria provided, multiple submitters, no conflicts (2 of 4 stars). 2 submissions from 2 submitters: Uncertain significance (2). Last evaluated 2025-06-18.

Conditions:
Neurofibromatosis, type 1 (NF1). Also called: NEUROFIBROMATOSIS, TYPE I, SOMATIC; Neurofibromatosis, type I; Peripheral type neurofibromatosis; VON RECKLINGHAUSEN DISEASE. Identifiers: Orphanet 636, MedGen C0027831, MONDO:0018975, OMIM 162200. Disease mechanism: loss of function.
Hereditary cancer-predisposing syndrome. Also called: Hereditary Cancer Syndrome; Hereditary neoplastic syndrome; Neoplastic Syndromes, Hereditary; Tumor predisposition. Identifiers: Orphanet 140162, MedGen C0027672, MeSH D009386, MONDO:0015356.
Cardiovascular phenotype. Identifiers: MedGen CN230736.

Submissions (2):

Labcorp Genetics (formerly Invitae), Labcorp
Classification: Uncertain significance for Neurofibromatosis, type 1. Last evaluated: 2025-06-18. Review status: criteria provided, single submitter. Criteria: Invitae Variant Classification Sherloc (09022015). Collection method: clinical testing. Allele origin: germline.
Comment: This sequence change replaces arginine, which is basic and polar, with serine, which is neutral and polar, at codon 765 of the NF1 protein (p.Arg765Ser). This variant is not present in population databases (gnomAD no frequency). This variant has not been reported in the literature in individuals affected with NF1-related conditions. ClinVar contains an entry for this variant (Variation ID: 3404649). Invitae Evidence Modeling of protein sequence and biophysical properties (such as structural, functional, and spatial information, amino acid conservation, physicochemical variation, residue mobility, and thermodynamic stability) has been performed for this missense variant. However, the output from this modeling did not meet the statistical confidence thresholds required to predict the impact of this variant on NF1 protein function. In summary, the available evidence is currently insufficient to determine the role of this variant in disease. Therefore, it has been classified as a Variant of Uncertain Significance.

Ambry Genetics
Classification: Uncertain significance for Cardiovascular phenotype; Hereditary cancer-predisposing syndrome. Last evaluated: 2024-07-17. Review status: criteria provided, single submitter. Criteria: Ambry Variant Classification Scheme 2023. Collection method: clinical testing. Allele origin: germline.
Comment: The p.R765S variant (also known as c.2293C>A), located in coding exon 19 of the NF1 gene, results from a C to A substitution at nucleotide position 2293. The arginine at codon 765 is replaced by serine, an amino acid with dissimilar properties. This amino acid position is highly conserved in available vertebrate species. In addition, this alteration is predicted to be deleterious by in silico analysis. Based on the available evidence, the clinical significance of this variant remains unclear.